The following is an entry in ClinVar:

ClinVar aggregate classification (germline): Uncertain significance (1 of 4 stars; one submission).

Conditions:
Melnick-Needles syndrome (MNS). Also called: MELNICK-NEEDLES OSTEODYSPLASTY; Melnick-Needles Syndrome (FLNA-MNS); OSTEODYSPLASTY OF MELNICK AND NEEDLES. Identifiers: Orphanet 2484, MedGen C0025237, MONDO:0010650, OMIM 309350.
Frontometaphyseal dysplasia (FMD1). Identifiers: Orphanet 1826, MedGen C0265293, MONDO:0015942.
Heterotopia, periventricular, X-linked dominant (PVNH1). Also called: PERIVENTRICULAR NODULAR HETEROTOPIA 1; X-linked periventricular heterotopia; PERIVENTRICULAR NODULAR HETEROTOPIA 4; HETEROTOPIA, PERIVENTRICULAR, 1. Identifiers: Orphanet 2149, Orphanet 82004, MedGen C1848213, MONDO:0010233, OMIM 300049.
Oto-palato-digital syndrome, type II (OPD2). Also called: FACIOPALATOOSSEOUS SYNDROME; Otopalatodigital Syndrome Type 2 (FLNA-OPD2); OPD II SYNDROME; Otopalatodigital Syndrome, Type II. Identifiers: Orphanet 669, Orphanet 90652, MedGen C1844696, MONDO:0010571, OMIM 304120.

Submission:

Labcorp Genetics (formerly Invitae), Labcorp
Classification: Uncertain significance for Oto-palato-digital syndrome, type II; Heterotopia, periventricular, X-linked dominant; Frontometaphyseal dysplasia; Melnick-Needles syndrome. Last evaluated: 2021-09-20. Review status: criteria provided, single submitter. Criteria: Invitae Variant Classification Sherloc (09022015). Collection method: clinical testing. Allele origin: germline.
Comment: In summary, the available evidence is currently insufficient to determine the role of this variant in disease. Therefore, it has been classified as a Variant of Uncertain Significance. Advanced modeling of protein sequence and biophysical properties (such as structural, functional, and spatial information, amino acid conservation, physicochemical variation, residue mobility, and thermodynamic stability) performed at Invitae indicates that this missense variant is not expected to disrupt FLNA protein function. This variant has not been reported in the literature in individuals affected with FLNA-related conditions. This variant is not present in population databases (ExAC no frequency). This sequence change replaces histidine with glutamine at codon 2188 of the FLNA protein (p.His2188Gln). The histidine residue is moderately conserved and there is a small physicochemical difference between histidine and glutamine.

NM_001110556.2(FLNA):c.6588C>G (p.His2196Gln)

Gene: FLNA (filamin A; minus strand). Cytogenetic location: Xq28.
Variant type: single nucleotide variant.
Coding change: c.6588C>G on transcript NM_001110556.2 (MANE Select); coding-DNA position 6588, C replaced by G.
Protein change: p.His2196Gln; replaces histidine 2196 with glutamine.
Molecular consequence: missense variant.
Genome position (GRCh38, 1-based): chrX:154,352,362, G>C on the plus strand (C>G on the coding strand, the complement: FLNA is on the minus strand). VCF-style: chrX-154352362-G-C. GRCh37 (hg19) VCF-style: chrX-153580730-G-C.
Other names: c.6564C>G, p.His2188Gln (NM_001456.4); short protein forms H2188Q, H2196Q.
Identifiers: ClinVar variation 1439014 (VCV001439014.6), dbSNP rs2148104059, ClinGen allele CA415190834.